The following is an entry in ClinVar:

NM_001039591.3(USP9X):c.4652G>A (p.Arg1551His)

Gene: USP9X (ubiquitin specific peptidase 9 X-linked; plus strand). Cytogenetic location: Xp11.4.
Variant type: single nucleotide variant.
Coding change: c.4652G>A on transcript NM_001039591.3 (MANE Select); coding-DNA position 4652, G replaced by A.
Protein change: p.Arg1551His; replaces arginine 1551 with histidine.
Molecular consequence: missense variant.
Genome position (GRCh38, 1-based): chrX:41,201,108, G>A. VCF-style: chrX-41201108-G-A. GRCh37 (hg19) VCF-style: chrX-41060361-G-A.
Other names: c.4652G>A, p.Arg1551His (NM_001039590.3); c.4667G>A, p.Arg1556His (NM_001410748.1, NM_001410749.1); short protein forms R1551H, R1556H.
Identifiers: ClinVar variation 2812652 (VCV002812652.3), dbSNP rs2519324436, ClinGen allele CA412778465.

ClinVar aggregate classification (germline): Uncertain significance (1 of 4 stars; one submission).

Submission:

Labcorp Genetics (formerly Invitae), Labcorp
Classification: Uncertain significance. Last evaluated: 2024-10-24. Review status: criteria provided, single submitter. Criteria: Invitae Variant Classification Sherloc (09022015). Collection method: clinical testing. Allele origin: germline.
Comment: This sequence change replaces arginine, which is basic and polar, with histidine, which is basic and polar, at codon 1551 of the USP9X protein (p.Arg1551His). This variant is not present in population databases (gnomAD no frequency). This variant has not been reported in the literature in individuals affected with USP9X-related conditions. An algorithm developed to predict the effect of missense changes on protein structure and function (PolyPhen-2) suggests that this variant is likely to be tolerated. In summary, the available evidence is currently insufficient to determine the role of this variant in disease. Therefore, it has been classified as a Variant of Uncertain Significance.